The following is an entry in ClinVar:

ClinVar aggregate classification (germline): Uncertain significance (1 of 4 stars; one submission).

Conditions:
Epidermolysis bullosa simplex 5B, with muscular dystrophy (EBS5B). Also called: Epidermolysis bullosa simplex with muscular dystrophy; EPIDERMOLYSIS BULLOSA SIMPLEX AND LIMB-GIRDLE MUSCULAR DYSTROPHY. Identifiers: Orphanet 257, MedGen C2931072, MONDO:0009181, OMIM 226670.
Epidermolysis bullosa simplex 5C, with pyloric atresia (EBS5C). Also called: PLEC-Related Epidermolysis Bullosa with Pyloric Atresia; Epidermolysis bullosa simplex with pyloric atresia; PLEC1-Related Epidermolysis Bullosa with Pyloric Atresia. Identifiers: Orphanet 158684, MedGen C2677349, MONDO:0012807, OMIM 612138.
Autosomal recessive limb-girdle muscular dystrophy type 2Q (LGMDR17). Also called: MUSCULAR DYSTROPHY, LIMB-GIRDLE, AUTOSOMAL RECESSIVE 17. Identifiers: Orphanet 254361, MedGen C3150989, MONDO:0013390, OMIM 613723.
Epidermolysis bullosa simplex with nail dystrophy (EBS5D). Identifiers: MedGen C4225309, MONDO:0014661, OMIM 616487.
Epidermolysis bullosa simplex, Ogna type (EBS5A). Also called: Pidermolysis bullosa simplex 5A, Ogna type; EPIDERMOLYSIS BULLOSA SIMPLEX 5A, OGNA TYPE. Identifiers: Orphanet 79401, MedGen C0432317, MONDO:0007555, OMIM 131950.

Allele frequency attached by ClinVar (database versions not stated): gnomAD exomes 0.00002; ExAC 0.00003.
gnomAD v4.1: 23 of 1,612,224 alleles (0.0014%); highest among the groups gnomAD compares: Non-Finnish European, 0.0019%; no homozygotes.

Submission:

Labcorp Genetics (formerly Invitae), Labcorp
Classification: Uncertain significance for Autosomal recessive limb-girdle muscular dystrophy type 2Q; Epidermolysis bullosa simplex, Ogna type; Epidermolysis bullosa simplex with nail dystrophy; Epidermolysis bullosa simplex 5C, with pyloric atresia; Epidermolysis bullosa simplex 5B, with muscular dystrophy. Last evaluated: 2022-11-08. Review status: criteria provided, single submitter. Criteria: Invitae Variant Classification Sherloc (09022015). Collection method: clinical testing. Allele origin: germline.
Comment: In summary, the available evidence is currently insufficient to determine the role of this variant in disease. Therefore, it has been classified as a Variant of Uncertain Significance. Algorithms developed to predict the effect of missense changes on protein structure and function are either unavailable or do not agree on the potential impact of this missense change (SIFT: "Deleterious"; PolyPhen-2: "Not Available"; Align-GVGD: "Class C0"). This variant has not been reported in the literature in individuals affected with PLEC-related conditions. This variant is present in population databases (rs782666771, gnomAD 0.005%). This sequence change replaces tyrosine, which is neutral and polar, with cysteine, which is neutral and slightly polar, at codon 388 of the PLEC protein (p.Tyr388Cys).

NM_201384.3(PLEC):c.1082A>G (p.Tyr361Cys)

Gene: PLEC (plectin; minus strand). Cytogenetic location: 8q24.3.
Variant type: single nucleotide variant.
Coding change: c.1082A>G on transcript NM_201384.3 (MANE Select); coding-DNA position 1082, A replaced by G.
Protein change: p.Tyr361Cys; replaces tyrosine 361 with cysteine.
Molecular consequence: missense variant.
Genome position (GRCh38, 1-based): chr8:143,934,405, T>C on the plus strand (A>G on the coding strand, the complement: PLEC is on the minus strand). VCF-style: chr8-143934405-T-C. GRCh37 (hg19) VCF-style: chr8-145008573-T-C.
Other names: c.1163A>G, p.Tyr388Cys (NM_000445.5, NM_001410941.1); c.1040A>G, p.Tyr347Cys (NM_201378.4); c.1016A>G, p.Tyr339Cys (NM_201379.3); c.1493A>G, p.Tyr498Cys (NM_201380.4); c.986A>G, p.Tyr329Cys (NM_201381.3); c.1082A>G, p.Tyr361Cys (NM_201382.4); c.1094A>G, p.Tyr365Cys (NM_201383.3); short protein forms Y329C, Y339C, Y347C, Y361C, Y365C, Y388C, Y498C.
Identifiers: ClinVar variation 2418500 (VCV002418500.8), dbSNP rs782666771, ClinGen allele CA4928176.